The following is an entry in ClinVar:

ClinVar aggregate classification (germline): Uncertain significance. Review status: criteria provided, multiple submitters, no conflicts (2 of 4 stars). 2 submissions from 2 submitters: Uncertain significance (2). Last evaluated 2025-02-19.

Conditions:
Hereditary spastic paraplegia. Also called: Familial spastic paraparesis. Identifiers: Orphanet 685, MedGen C0037773, MONDO:0019064. Disease mechanism: loss of function.
Spastic paraplegia. Identifiers: MedGen C0037772, HP:0001258.

Allele frequency attached by ClinVar (database versions not stated): gnomAD exomes below 0.00001.

Submissions (2):

Labcorp Genetics (formerly Invitae), Labcorp
Classification: Uncertain significance for Spastic paraplegia. Last evaluated: 2025-02-19. Review status: criteria provided, single submitter. Criteria: Invitae Variant Classification Sherloc (09022015). Collection method: clinical testing. Allele origin: germline.
Comment: This sequence change replaces serine, which is neutral and polar, with phenylalanine, which is neutral and non-polar, at codon 291 of the KIF5A protein (p.Ser291Phe). This variant is present in population databases (no rsID available, gnomAD 0.0009%). This variant has not been reported in the literature in individuals affected with KIF5A-related conditions. ClinVar contains an entry for this variant (Variation ID: 940374). Invitae Evidence Modeling of protein sequence and biophysical properties (such as structural, functional, and spatial information, amino acid conservation, physicochemical variation, residue mobility, and thermodynamic stability) indicates that this missense variant is expected to disrupt KIF5A protein function with a positive predictive value of 95%. In summary, the available evidence is currently insufficient to determine the role of this variant in disease. Therefore, it has been classified as a Variant of Uncertain Significance.

Genome Diagnostics Laboratory, The Hospital for Sick Children
Classification: Uncertain significance for Hereditary spastic paraplegia. Last evaluated: 2018-11-01. Review status: criteria provided, single submitter. Criteria: ACMG Guidelines, 2015. Collection method: clinical testing. Allele origin: germline. Affected: yes.

NM_004984.4(KIF5A):c.872C>T (p.Ser291Phe)

Gene: KIF5A (kinesin family member 5A; plus strand). Cytogenetic location: 12q13.3.
Variant type: single nucleotide variant.
Coding change: c.872C>T on transcript NM_004984.4 (MANE Select); coding-DNA position 872, C replaced by T.
Protein change: p.Ser291Phe; replaces serine 291 with phenylalanine.
Molecular consequence: missense variant.
Genome position (GRCh38, 1-based): chr12:57,569,308, C>T. VCF-style: chr12-57569308-C-T. GRCh37 (hg19) VCF-style: chr12-57963091-C-T.
Other names: c.605C>T, p.Ser202Phe (NM_001354705.2); short protein forms S202F, S291F.
Identifiers: ClinVar variation 940374 (VCV000940374.12), dbSNP rs761812789, ClinGen allele CA385500637.